The following is an entry in ClinVar:

ClinVar aggregate classification (germline): Conflicting classifications of pathogenicity. Review status: criteria provided, conflicting classifications (1 of 4 stars). 3 submissions from 3 submitters: Uncertain significance (2); Likely benign (1). Last evaluated 2026-06-07.

Conditions:
Hereditary sensory neuropathy-deafness-dementia syndrome. Also called: HSN IE; NEUROPATHY, HEREDITARY SENSORY, WITH HEARING LOSS AND DEMENTIA; Hereditary Sensory and Autonomic Neuropathy Type 1E (HSAN1E); Hereditary sensory neuropathy type IE. Identifiers: Orphanet 456318, MedGen C3279885, MONDO:0013584, OMIM 614116.
Inborn genetic diseases. Identifiers: MedGen C0950123, MeSH D030342.
DNMT1-related disorder. Also called: DNMT1-related condition. Identifiers: MedGen CN381527.

Allele frequency attached by ClinVar (database versions not stated): ExAC 0.00002; TOPMed 0.00002.
gnomAD v4.1: 8 of 1,613,876 alleles (0.0005%); highest among the groups gnomAD compares: South Asian, 0.0011%; no homozygotes.

Submissions (3):

PreventionGenetics, part of Exact Sciences
Classification: Uncertain significance for DNMT1-related condition. Last evaluated: 2026-06-07. Review status: criteria provided, single submitter. Criteria: ACMG Guidelines, 2015. Collection method: clinical testing. Allele origin: germline.
Comment: The DNMT1 c.229G>A variant is predicted to result in the amino acid substitution p.Gly77Ser. To our knowledge, this variant has not been reported in the literature. This variant is reported in 0.0033% of alleles in individuals of South Asian descent in gnomAD. At this time, the clinical significance of this variant is uncertain due to the absence of conclusive functional and genetic evidence.

Labcorp Genetics (formerly Invitae), Labcorp
Classification: Likely benign for Hereditary sensory neuropathy-deafness-dementia syndrome. Last evaluated: 2025-02-02. Review status: criteria provided, single submitter. Criteria: Invitae Variant Classification Sherloc (09022015). Collection method: clinical testing. Allele origin: germline.

Ambry Genetics
Classification: Uncertain significance for Inborn genetic diseases. Last evaluated: 2020-01-29. Review status: criteria provided, single submitter. Criteria: Ambry Variant Classification Scheme 2023. Collection method: clinical testing. Allele origin: germline.
Comment: The p.G77S variant (also known as c.229G>A), located in coding exon 4 of the DNMT1 gene, results from a G to A substitution at nucleotide position 229. The glycine at codon 77 is replaced by serine, an amino acid with similar properties. This amino acid position is well conserved in available vertebrate species. In addition, this alteration is predicted to be tolerated by in silico analysis. Since supporting evidence is limited at this time, the clinical significance of this alteration remains unclear.

NM_001130823.3(DNMT1):c.229G>A (p.Gly77Ser)

Gene: DNMT1 (DNA methyltransferase 1; minus strand). Cytogenetic location: 19p13.2.
Variant type: single nucleotide variant.
Coding change: c.229G>A on transcript NM_001130823.3 (MANE Select); coding-DNA position 229, G replaced by A.
Protein change: p.Gly77Ser; replaces glycine 77 with serine.
Molecular consequence: missense variant. On other transcripts: intron variant (1).
Genome position (GRCh38, 1-based): chr19:10,180,566, C>T on the plus strand (G>A on the coding strand, the complement: DNMT1 is on the minus strand). VCF-style: chr19-10180566-C-T. GRCh37 (hg19) VCF-style: chr19-10291242-C-T.
Other names: c.229G>A (LRG_362t1, NM_001130823.2); c.229G>A, p.Gly77Ser (NM_001318730.2, NM_001379.4); c.-98-37G>A (NM_001318731.2); short protein forms G77S.
Identifiers: ClinVar variation 571457 (VCV000571457.12), dbSNP rs746687493, ClinGen allele CA9188808.